The following is an entry in ClinVar:

ClinVar aggregate classification (germline): Uncertain significance (1 of 4 stars; one submission).

Allele frequency attached by ClinVar (database versions not stated): gnomAD exomes below 0.00001.
gnomAD v4.1: 1 of 1,614,110 alleles (0.000062%); highest among the groups gnomAD compares: Non-Finnish European, 0.000085%; no homozygotes.

Submission:

Labcorp Genetics (formerly Invitae), Labcorp
Classification: Uncertain significance. Last evaluated: 2021-08-03. Review status: criteria provided, single submitter. Criteria: Invitae Variant Classification Sherloc (09022015). Collection method: clinical testing. Allele origin: germline.
Comment: In summary, the available evidence is currently insufficient to determine the role of this variant in disease. Therefore, it has been classified as a Variant of Uncertain Significance. Nucleotide substitutions within the consensus splice site are a relatively common cause of aberrant splicing (PMID: 17576681, 9536098). Algorithms developed to predict the effect of sequence changes on RNA splicing suggest that this variant may disrupt the consensus splice site. This variant has not been reported in the literature in individuals affected with SNRNP200-related conditions. This variant is not present in population databases (ExAC no frequency). This sequence change falls in intron 34 of the SNRNP200 gene. It does not directly change the encoded amino acid sequence of the SNRNP200 protein. It affects a nucleotide within the consensus splice site of the intron.

Literature cited by the submitters: PubMed 17576681; PubMed 9536098.

NM_014014.5(SNRNP200):c.4915+5G>A

Gene: SNRNP200 (small nuclear ribonucleoprotein U5 subunit 200; minus strand). Cytogenetic location: 2q11.2.
Variant type: single nucleotide variant.
Coding change: c.4915+5G>A on transcript NM_014014.5 (MANE Select); 5 bases into the intron after coding-DNA position 4915, G replaced by A.
Molecular consequence: intron variant.
Genome position (GRCh38, 1-based): chr2:96,283,196, C>T on the plus strand (G>A on the coding strand, the complement: SNRNP200 is on the minus strand). VCF-style: chr2-96283196-C-T. GRCh37 (hg19) VCF-style: chr2-96948934-C-T.
Identifiers: ClinVar variation 1485529 (VCV001485529.6), dbSNP rs2104339207, ClinGen allele CA2573135945.